The following is an entry in ClinVar:

NM_003442.6(ZNF143):c.468C>T (p.Thr156=)

Gene: ZNF143 (zinc finger protein 143; plus strand). Cytogenetic location: 11p15.4.
Variant type: single nucleotide variant.
Coding change: c.468C>T on transcript NM_003442.6 (MANE Select); coding-DNA position 468, C replaced by T.
Protein change: p.Thr156=; no amino-acid change (threonine 156 retained).
Molecular consequence: synonymous variant.
Genome position (GRCh38, 1-based): chr11:9,478,484, C>T. VCF-style: chr11-9478484-C-T. GRCh37 (hg19) VCF-style: chr11-9500031-C-T.
Other names: c.465C>T, p.Thr155= (NM_001282656.2); c.375C>T, p.Thr125= (NM_001282657.2).
Identifiers: ClinVar variation 4281577 (VCV004281577.7).

ClinVar aggregate classification (germline): Likely benign (1 of 4 stars; one submission).

Submission:

CeGaT Center for Human Genetics Tuebingen
Classification: Likely benign. Last evaluated: 2025-09-01. Review status: criteria provided, single submitter. Criteria: CeGaT Center For Human Genetics Tuebingen Variant Classification Criteria Version 2. Collection method: clinical testing. Allele origin: germline. Affected: yes. Observed: 1 variant allele.
Comment: ZNF143: PM2:Supporting, BP4, BP7